The following is an entry in ClinVar:

ClinVar aggregate classification (germline): Uncertain significance (1 of 4 stars; one submission).

Conditions:
Intellectual disability, X-linked 102 (MRXSSB). Also called: Intellectual developmental disorder, X-linked syndromic, Snijders Blok type. Identifiers: Orphanet 457260, MedGen C5393299, MONDO:0010497, OMIM 300958.

Submission:

New York Genome Center
Classification: Uncertain significance for Intellectual disability, X-linked 102. Last evaluated: 2020-03-19. Review status: criteria provided, single submitter. Criteria: NYGC Assertion Criteria 2020. Collection method: clinical testing. Allele origin: inherited. Affected: yes. Observed: 1 hemizygote. Study: CSER-NYCKidSeq.
Comment: The c.285-12T>A variant identified in the DDX3X gene is an intronic variant in a non-canonical positionwithin intron 4/16. The Thymine at this position is very well conserved throughout vertebrate species. This variant is absent from gnomAD suggesting it is not a common benign variant in the populations represented in this database. Human Splicing Finder suggests this variant may lead to the activation of an intronic cryptic acceptor site and potentially alter splicing. The Transcript inferred pathogenicity score (TraP) for this variant is 0.57 (>99th percentile for non-coding variants), suggesting it is possibly damaging to the canonical transcript. This variant is absent from ClinVar and to our current knowledge has not been reported in affected individuals in the literature. The c.285-12T>A non-coding hemizygous variant is reported here as a Variant of Uncertain Significance.

NM_001356.5(DDX3X):c.285-12T>A

Gene: DDX3X (DEAD-box helicase 3 X-linked; plus strand). Cytogenetic location: Xp11.4.
Variant type: single nucleotide variant.
Coding change: c.285-12T>A on transcript NM_001356.5 (MANE Select); 12 bases into the intron before coding-DNA position 285, T replaced by A.
Molecular consequence: intron variant.
Genome position (GRCh38, 1-based): chrX:41,342,483, T>A. VCF-style: chrX-41342483-T-A. GRCh37 (hg19) VCF-style: chrX-41201736-T-A.
Other names: c.285-12T>A (NM_001193416.3); c.237-12T>A (NM_001193417.3); c.-274-12T>A (NM_001363819.1).
Identifiers: ClinVar variation 983396 (VCV000983396.2), dbSNP rs2063865427, ClinGen allele CA1139667452.